The following is an entry in ClinVar:

ClinVar aggregate classification (germline): Uncertain significance. Review status: criteria provided, multiple submitters, no conflicts (2 of 4 stars). 2 submissions from 2 submitters: Uncertain significance (2). Last evaluated 2025-10-01.

Conditions:
Cardiovascular phenotype. Identifiers: MedGen CN230736.
Dilated cardiomyopathy 1DD (CMD1DD). Identifiers: Orphanet 154, MedGen C2750995, MONDO:0013168, OMIM 613172.

Submissions (2):

Ambry Genetics
Classification: Uncertain significance for Cardiovascular phenotype. Last evaluated: 2025-10-01. Review status: criteria provided, single submitter. Criteria: Ambry Variant Classification Scheme 2023. Collection method: clinical testing. Allele origin: germline.
Comment: The p.L1132F variant (also known as c.3394C>T), located in coding exon 12 of the RBM20 gene, results from a C to T substitution at nucleotide position 3394. The leucine at codon 1132 is replaced by phenylalanine, an amino acid with highly similar properties. This amino acid position is conserved. In addition, this alteration is predicted to be tolerated by in silico analysis. Based on the available evidence, the clinical significance of this variant remains unclear.

Labcorp Genetics (formerly Invitae), Labcorp
Classification: Uncertain significance for Dilated cardiomyopathy 1DD. Last evaluated: 2024-03-27. Review status: criteria provided, single submitter. Criteria: Invitae Variant Classification Sherloc (09022015). Collection method: clinical testing. Allele origin: germline.
Comment: This sequence change replaces leucine, which is neutral and non-polar, with phenylalanine, which is neutral and non-polar, at codon 1132 of the RBM20 protein (p.Leu1132Phe). This variant is not present in population databases (gnomAD no frequency). This variant has not been reported in the literature in individuals affected with RBM20-related conditions. Advanced modeling of protein sequence and biophysical properties (such as structural, functional, and spatial information, amino acid conservation, physicochemical variation, residue mobility, and thermodynamic stability) performed at Invitae indicates that this missense variant is not expected to disrupt RBM20 protein function with a negative predictive value of 95%. In summary, the available evidence is currently insufficient to determine the role of this variant in disease. Therefore, it has been classified as a Variant of Uncertain Significance.

NM_001134363.3(RBM20):c.3394C>T (p.Leu1132Phe)

Gene: RBM20 (RNA binding motif protein 20; plus strand). Cytogenetic location: 10q25.2.
Variant type: single nucleotide variant.
Coding change: c.3394C>T on transcript NM_001134363.3 (MANE Select); coding-DNA position 3394, C replaced by T.
Protein change: p.Leu1132Phe; replaces leucine 1132 with phenylalanine.
Molecular consequence: missense variant.
Genome position (GRCh38, 1-based): chr10:110,823,557, C>T. VCF-style: chr10-110823557-C-T. GRCh37 (hg19) VCF-style: chr10-112583315-C-T.
Other names: short protein forms L1132F.
Identifiers: ClinVar variation 2912872 (VCV002912872.4), dbSNP rs1554843750, ClinGen allele CA378383953.